The following is an entry in ClinVar:

ClinVar aggregate classification (germline): Uncertain significance (1 of 4 stars; one submission).

Conditions:
Charcot-Marie-Tooth disease type 4A. Also called: Charcot-Marie-Tooth disease, demyelinating, autosomal recessive, type 4a. Identifiers: Orphanet 99948, MedGen C1859198, MONDO:0008961, OMIM 214400.

gnomAD v4.1: 1 of 1,427,622 alleles (0.00007%); highest among the groups gnomAD compares: Non-Finnish European, 0.000099%; no homozygotes.

Submission:

Labcorp Genetics (formerly Invitae), Labcorp
Classification: Uncertain significance for Charcot-Marie-Tooth disease type 4A. Last evaluated: 2026-01-31. Review status: criteria provided, single submitter. Criteria: Invitae Variant Classification Sherloc (09022015). Collection method: clinical testing. Allele origin: germline.
Comment: This sequence change falls in intron 3 of the GDAP1 gene. It does not directly change the encoded amino acid sequence of the GDAP1 protein. This variant is not present in population databases (gnomAD no frequency). This variant has not been reported in the literature in individuals affected with GDAP1-related conditions. ClinVar contains an entry for this variant (Variation ID: 3612962). Algorithms developed to predict the effect of sequence changes on RNA splicing suggest that this variant may disrupt the consensus splice site. In summary, the available evidence is currently insufficient to determine the role of this variant in disease. Therefore, it has been classified as a Variant of Uncertain Significance.

NM_018972.4(GDAP1):c.485-16A>G

Gene: GDAP1 (ganglioside induced differentiation associated protein 1; plus strand). Cytogenetic location: 8q21.11.
Variant type: single nucleotide variant.
Coding change: c.485-16A>G on transcript NM_018972.4 (MANE Select); 16 bases into the intron before coding-DNA position 485, A replaced by G.
Molecular consequence: intron variant.
Genome position (GRCh38, 1-based): chr8:74,361,868, A>G. VCF-style: chr8-74361868-A-G. GRCh37 (hg19) VCF-style: chr8-75274103-A-G.
Other names: c.485-16A>G (NM_001362931.2); c.311-16A>G (NM_001362930.2); c.158-16A>G (NM_001362929.2, NM_001362932.2); c.281-16A>G (NM_001040875.4).
Identifiers: ClinVar variation 3612962 (VCV003612962.2).